The following is an entry in ClinVar:

NM_001605.3(AARS1):c.1907T>G (p.Phe636Cys)

Gene: AARS1 (alanyl-tRNA synthetase 1; minus strand). Cytogenetic location: 16q22.1.
Variant type: single nucleotide variant.
Coding change: c.1907T>G on transcript NM_001605.3 (MANE Select); coding-DNA position 1907, T replaced by G.
Protein change: p.Phe636Cys; replaces phenylalanine 636 with cysteine.
Molecular consequence: missense variant.
Genome position (GRCh38, 1-based): chr16:70,259,065, A>C on the plus strand (T>G on the coding strand, the complement: AARS1 is on the minus strand). VCF-style: chr16-70259065-A-C. GRCh37 (hg19) VCF-style: chr16-70292968-A-C.
Other names: c.1907T>G (NM_001605.2); short protein forms F636C.
Identifiers: ClinVar variation 1682186 (VCV001682186.7), dbSNP rs766999932, ClinGen allele CA8140636.

ClinVar aggregate classification (germline): Uncertain significance. Review status: criteria provided, multiple submitters, no conflicts (2 of 4 stars). 2 submissions from 2 submitters: Uncertain significance (2). Last evaluated 2024-01-17.

Conditions:
Inborn genetic diseases. Identifiers: MedGen C0950123, MeSH D030342.
Charcot-Marie-Tooth disease type 2. Also called: Charcot-Marie-Tooth type 2. Identifiers: Orphanet 64746, MedGen C0270914, MONDO:0018993.

Allele frequency attached by ClinVar (database versions not stated): TOPMed below 0.00001; ExAC 0.00002; gnomAD exomes 0.00001.
gnomAD v4.1: 15 of 1,614,172 alleles (0.00093%); highest among the groups gnomAD compares: Non-Finnish European, 0.0013%; no homozygotes.

Submissions (2):

Labcorp Genetics (formerly Invitae), Labcorp
Classification: Uncertain significance for Charcot-Marie-Tooth disease type 2. Last evaluated: 2024-01-17. Review status: criteria provided, single submitter. Criteria: Invitae Variant Classification Sherloc (09022015). Collection method: clinical testing. Allele origin: germline.
Comment: This sequence change replaces phenylalanine, which is neutral and non-polar, with cysteine, which is neutral and slightly polar, at codon 636 of the AARS protein (p.Phe636Cys). This variant is present in population databases (rs766999932, gnomAD 0.002%). This variant has not been reported in the literature in individuals affected with AARS-related conditions. ClinVar contains an entry for this variant (Variation ID: 1682186). Advanced modeling of protein sequence and biophysical properties (such as structural, functional, and spatial information, amino acid conservation, physicochemical variation, residue mobility, and thermodynamic stability) performed at Invitae indicates that this missense variant is expected to disrupt AARS protein function with a positive predictive value of 80%. In summary, the available evidence is currently insufficient to determine the role of this variant in disease. Therefore, it has been classified as a Variant of Uncertain Significance.

Ambry Genetics
Classification: Uncertain significance for Inborn genetic diseases. Last evaluated: 2023-10-02. Review status: criteria provided, single submitter. Criteria: Ambry Variant Classification Scheme 2023. Collection method: clinical testing. Allele origin: germline.